The following is an entry in ClinVar:

ClinVar aggregate classification (germline): Uncertain significance. Review status: criteria provided, multiple submitters, no conflicts (2 of 4 stars). 2 submissions from 2 submitters: Uncertain significance (2). Last evaluated 2023-07-26.

Conditions:
Early-infantile DEE. Also called: Ohtahara syndrome; Early infantile epileptic encephalopathy; Early infantile epileptic encephalopathy with suppression bursts. Identifiers: Orphanet 1934, MedGen C0393706, MONDO:0800491.

Submissions (2):

GeneDx
Classification: Uncertain significance. Last evaluated: 2023-07-26. Review status: criteria provided, single submitter. Criteria: GeneDx Variant Classification Process June 2021. Collection method: clinical testing. Allele origin: germline. Affected: yes.
Comment: Not observed at significant frequency in large population cohorts (gnomAD); Missense variants in this gene are often considered pathogenic (HGMD); In silico analysis supports that this missense variant has a deleterious effect on protein structure/function; This substitution is predicted to be within the transmembrane segment S3 of the second homologous domain; This variant is associated with the following publications: (PMID: 29655203)

Labcorp Genetics (formerly Invitae), Labcorp
Classification: Uncertain significance for Early-infantile DEE. Last evaluated: 2022-09-06. Review status: criteria provided, single submitter. Criteria: Invitae Variant Classification Sherloc (09022015). Collection method: clinical testing. Allele origin: germline.
Comment: In summary, the available evidence is currently insufficient to determine the role of this variant in disease. Therefore, it has been classified as a Variant of Uncertain Significance. Advanced modeling of protein sequence and biophysical properties (such as structural, functional, and spatial information, amino acid conservation, physicochemical variation, residue mobility, and thermodynamic stability) performed at Invitae indicates that this missense variant is expected to disrupt SCN1A protein function. ClinVar contains an entry for this variant (Variation ID: 206782). This missense change has been observed in individual(s) with SCN1A-related conditions (PMID: 29655203). This variant is not present in population databases (gnomAD no frequency). This sequence change replaces phenylalanine, which is neutral and non-polar, with serine, which is neutral and polar, at codon 835 of the SCN1A protein (p.Phe835Ser).

Literature cited by the submitters: PubMed 29655203 (cited by Labcorp Genetics (formerly Invitae), Labcorp).

NM_001165963.4(SCN1A):c.2504T>C (p.Phe835Ser)

Gene: SCN1A (sodium voltage-gated channel alpha subunit 1; minus strand). Cytogenetic location: 2q24.3.
Variant type: single nucleotide variant.
Coding change: c.2504T>C on transcript NM_001165963.4 (MANE Select); coding-DNA position 2504, T replaced by C.
Protein change: p.Phe835Ser; replaces phenylalanine 835 with serine.
Molecular consequence: missense variant. On other transcripts: non-coding transcript variant (1).
Genome position (GRCh38, 1-based): chr2:166,039,508, A>G on the plus strand (T>C on the coding strand, the complement: SCN1A is on the minus strand). VCF-style: chr2-166039508-A-G. GRCh37 (hg19) VCF-style: chr2-166896018-A-G.
Other names: p.F835S:TTT>TCT; c.2420T>C, p.Phe807Ser (NM_001165964.3, NM_001353957.2, NM_001353958.2); c.2504T>C, p.Phe835Ser (NM_001202435.3, NM_001353948.2); c.2471T>C, p.Phe824Ser (NM_001353949.2, NM_001353950.2, NM_001353951.2 and 2 more transcripts); c.2468T>C, p.Phe823Ser (NM_001353954.2, NM_001353955.2); c.2417T>C, p.Phe806Ser (NM_001353960.2); c.62T>C, p.Phe21Ser (NM_001353961.2); short protein forms F824S, F835S, F807S, F806S, F21S, F823S.
Identifiers: ClinVar variation 206782 (VCV000206782.7), dbSNP rs796052981, ClinGen allele CA317291.